The following is an entry in ClinVar:

ClinVar aggregate classification (germline): Likely benign (1 of 4 stars; one submission).

Allele frequency attached by ClinVar (database versions not stated): gnomAD 0.00001; gnomAD exomes 0.00002.

Submission:

CeGaT Center for Human Genetics Tuebingen
Classification: Likely benign. Last evaluated: 2023-09-01. Review status: criteria provided, single submitter. Criteria: CeGaT Center For Human Genetics Tuebingen Variant Classification Criteria Version 2. Collection method: clinical testing. Allele origin: germline. Affected: yes. Observed: 1 variant allele.
Comment: TM4SF19: BP4, BP7

NC_000003.12:g.196320042A>C

Genes: TM4SF19 (transmembrane 4 L six family member 19; minus strand), TM4SF19-AS1 (TM4SF19 antisense RNA 1; plus strand), TM4SF19-DYNLT2B (TM4SF19-DYNLT2B readthrough (NMD candidate); minus strand). Cytogenetic location: 3q29.
Variant type: single nucleotide variant.
Genome position: GRCh38 VCF-style: chr3-196320042-A-C. GRCh37 (hg19) VCF-style: chr3-196046913-A-C.
Identifiers: ClinVar variation 2654509 (VCV002654509.24), dbSNP rs1024531445, ClinGen allele CA90808354.
Genomic context (GRCh38, chr3:196,320,042, plus strand): 5'-GTGGCATGTGCCTGTAATCCCAGCTACTTGGGAGGCTGAGGCAGGAGAATTGCTTGAACC[A>C]GGGAGTCGGAGCTTGCAGTGAGCCGAGATCACACCACTGCACTCCAGCATGAGACTCTGT-3'